The following is an entry in ClinVar:

ClinVar aggregate classification (germline): Uncertain significance. Review status: criteria provided, multiple submitters, no conflicts (2 of 4 stars). 2 submissions from 2 submitters: Uncertain significance (2). Last evaluated 2025-12-11.

Conditions:
Hereditary cancer-predisposing syndrome. Also called: Neoplastic Syndromes, Hereditary; Tumor predisposition; Hereditary Cancer Syndrome; Hereditary neoplastic syndrome. Identifiers: Orphanet 140162, MedGen C0027672, MeSH D009386, MONDO:0015356.

Submissions (2):

Ambry Genetics
Classification: Uncertain significance for Hereditary cancer-predisposing syndrome. Last evaluated: 2025-12-11. Review status: criteria provided, single submitter. Criteria: Ambry Variant Classification Scheme 2023. Collection method: clinical testing. Allele origin: germline.
Comment: The p.L625P variant (also known as c.1874T>C), located in coding exon 13 of the MSH3 gene, results from a T to C substitution at nucleotide position 1874. The leucine at codon 625 is replaced by proline, an amino acid with similar properties. This amino acid position is conserved. In addition, this alteration is predicted to be deleterious by in silico analysis. Since supporting evidence is limited at this time, the clinical significance of this alteration remains unclear.

Labcorp Genetics (formerly Invitae), Labcorp
Classification: Uncertain significance. Last evaluated: 2022-05-04. Review status: criteria provided, single submitter. Criteria: Invitae Variant Classification Sherloc (09022015). Collection method: clinical testing. Allele origin: germline.
Comment: In summary, the available evidence is currently insufficient to determine the role of this variant in disease. Therefore, it has been classified as a Variant of Uncertain Significance. Algorithms developed to predict the effect of missense changes on protein structure and function are either unavailable or do not agree on the potential impact of this missense change (SIFT: "Deleterious"; PolyPhen-2: "Possibly Damaging"; Align-GVGD: "Class C0"). This variant has not been reported in the literature in individuals affected with MSH3-related conditions. This variant is not present in population databases (gnomAD no frequency). This sequence change replaces leucine, which is neutral and non-polar, with proline, which is neutral and non-polar, at codon 625 of the MSH3 protein (p.Leu625Pro).

NM_002439.5(MSH3):c.1874T>C (p.Leu625Pro)

Gene: MSH3 (mutS homolog 3; plus strand). Cytogenetic location: 5q14.1.
Variant type: single nucleotide variant.
Coding change: c.1874T>C on transcript NM_002439.5 (MANE Select); coding-DNA position 1874, T replaced by C.
Protein change: p.Leu625Pro; replaces leucine 625 with proline.
Molecular consequence: missense variant.
Genome position (GRCh38, 1-based): chr5:80,761,656, T>C. VCF-style: chr5-80761656-T-C. GRCh37 (hg19) VCF-style: chr5-80057475-T-C.
Other names: short protein forms L625P.
Identifiers: ClinVar variation 1781752 (VCV001781752.8), dbSNP rs2546770100, ClinGen allele CA360276698.
Genomic context (GRCh38, chr5:80,761,656, plus strand): 5'-CTAGTGTGTTTGGTCAGATAGAAAATCATCTACGTAAATTGCCCGACATAGAGAGGGGAC[T>C]CTGTAGCATTTATCACAAAAAAGTAAGTGTGATAGAAATCTATTAAAGCTGACAGTGTTC-3'
Protein context (NP_002430.3, residues 615-635): LRKLPDIERG[Leu625Pro]CSIYHKKCST